The following is an entry in ClinVar:

NM_006796.3(AFG3L2):c.88C>T (p.Pro30Ser)

Gene: AFG3L2 (AFG3 like matrix AAA peptidase subunit 2; minus strand). Cytogenetic location: 18p11.21.
Variant type: single nucleotide variant.
Coding change: c.88C>T on transcript NM_006796.3 (MANE Select); coding-DNA position 88, C replaced by T.
Protein change: p.Pro30Ser; replaces proline 30 with serine.
Molecular consequence: missense variant.
Genome position (GRCh38, 1-based): chr18:12,376,995, G>A on the plus strand (C>T on the coding strand, the complement: AFG3L2 is on the minus strand). VCF-style: chr18-12376995-G-A. GRCh37 (hg19) VCF-style: chr18-12376994-G-A.
Other names: p.Pro30Ser; short protein forms P30S.
Identifiers: ClinVar variation 2907786 (VCV002907786.5), dbSNP rs1053085369, ClinGen allele CA296726399.
Genomic context (GRCh38, chr18:12,376,995, plus strand): 5'-GGTGGAGGGCGCCGGGCGCCCAGGTAGGACTCACCGTCCGGAGGCAGGGCTGCTCGCCCG[G>A]GCCCACGCCGCCAGGCACGAGGAGCTGCTGTAGGCCGCGGGGCCAGCAGCCGCCCCGGCC-3'
Protein context (NP_006787.2, residues 20-40): QQLLVPGGVG[Pro30Ser]GEQPCLRTLY

ClinVar aggregate classification (germline): Uncertain significance. Review status: criteria provided, multiple submitters, no conflicts (2 of 4 stars). 3 submissions from 3 submitters: Uncertain significance (3). Last evaluated 2026-03-26.

Conditions:
Inborn genetic diseases. Identifiers: MedGen C0950123, MeSH D030342.

Allele frequency attached by ClinVar (database versions not stated): gnomAD 0.00001; TOPMed 0.00001.
gnomAD v4.1: 9 of 1,461,142 alleles (0.00062%); highest among the groups gnomAD compares: Non-Finnish European, 0.00081%; no homozygotes.

Submissions (3):

Ambry Genetics
Classification: Uncertain significance for Inborn genetic diseases. Last evaluated: 2026-03-26. Review status: criteria provided, single submitter. Criteria: Ambry Variant Classification Scheme 2023. Collection method: clinical testing. Allele origin: germline.
Comment: The c.88C>T (p.P30S) alteration is located in exon 1 (coding exon 1) of the AFG3L2 gene. This alteration results from a C to T substitution at nucleotide position 88, causing the proline (P) at amino acid position 30 to be replaced by a serine (S). Based on data from gnomAD, the T allele has an overall frequency of 0.001% (1/77356) total alleles studied. The highest observed frequency was 0.004% (1/27896) of European (non-Finnish) alleles. Based on insufficient or conflicting evidence, the clinical significance of this alteration remains unclear.

Mayo Clinic Laboratories, Mayo Clinic
Classification: Uncertain significance. Last evaluated: 2024-07-15. Review status: criteria provided, single submitter. Criteria: ACMG Guidelines, 2015. Collection method: clinical testing. Allele origin: germline. Observed: 1 variant allele.
Comment: BP4

Labcorp Genetics (formerly Invitae), Labcorp
Classification: Uncertain significance. Last evaluated: 2023-05-11. Review status: criteria provided, single submitter. Criteria: Invitae Variant Classification Sherloc (09022015). Collection method: clinical testing. Allele origin: germline.
Comment: This sequence change replaces proline, which is neutral and non-polar, with serine, which is neutral and polar, at codon 30 of the AFG3L2 protein (p.Pro30Ser). The frequency data for this variant in the population databases is considered unreliable, as metrics indicate poor data quality at this position in the gnomAD database. This variant has not been reported in the literature in individuals affected with AFG3L2-related conditions. Advanced modeling of protein sequence and biophysical properties (such as structural, functional, and spatial information, amino acid conservation, physicochemical variation, residue mobility, and thermodynamic stability) performed at Invitae indicates that this missense variant is not expected to disrupt AFG3L2 protein function. In summary, the available evidence is currently insufficient to determine the role of this variant in disease. Therefore, it has been classified as a Variant of Uncertain Significance.